The following is an entry in ClinVar:

NM_001111125.3(IQSEC2):c.2298-258A>G

Gene: IQSEC2 (IQ motif and Sec7 domain ArfGEF 2; minus strand). Cytogenetic location: Xp11.22.
Variant type: single nucleotide variant.
Coding change: c.2298-258A>G on transcript NM_001111125.3 (MANE Select); 258 bases into the intron before coding-DNA position 2298, A replaced by G.
Molecular consequence: intron variant.
Genome position (GRCh38, 1-based): chrX:53,249,140, T>C on the plus strand (A>G on the coding strand, the complement: IQSEC2 is on the minus strand). VCF-style: chrX-53249140-T-C. GRCh37 (hg19) VCF-style: chrX-53278322-T-C.
Other names: c.1683-258A>G (NM_015075.2).
Identifiers: ClinVar variation 683643 (VCV000683643.2), dbSNP rs4830361, ClinGen allele CA329165796.
Genomic context (GRCh38, chrX:53,249,140, plus strand): 5'-CAAGGAGCTTCAAAATCCCAAGGTATCTTCAACCCAACATCCCCCTTCACTGGAGCCACA[T>C]CACAATTGAAAGAAAATCAGTATCTAATGAGAGCCTGCTCTATGCCAGGCTTGACATTCC-3'

ClinVar aggregate classification (germline): Benign. Review status: criteria provided, multiple submitters, no conflicts (2 of 4 stars). 2 submissions from 2 submitters: Benign (2). Last evaluated 2018-06-18.

Allele frequency attached by ClinVar (database versions not stated): 1000 Genomes Project 0.93483; 1000 Genomes Project 30x 0.93819; TOPMed 0.96111; gnomAD 0.96679.

Submissions (2):

GeneDx
Classification: Benign. Last evaluated: 2018-06-18. Review status: criteria provided, single submitter. Criteria: GeneDx Variant Classification (06012015). Collection method: clinical testing. Allele origin: germline. Affected: yes.
Comment: This variant is considered likely benign or benign based on one or more of the following criteria: it is a conservative change, it occurs at a poorly conserved position in the protein, it is predicted to be benign by multiple in silico algorithms, and/or has population frequency not consistent with disease.

Breakthrough Genomics
Classification: Benign. Review status: criteria provided, single submitter. Criteria: ACMG Guidelines, 2015. Collection method: not provided. Allele origin: germline. Inheritance: X-linked inheritance. Affected: yes.